The following is an entry in ClinVar:

ClinVar aggregate classification (germline): Uncertain significance (1 of 4 stars; one submission).

gnomAD v4.1: 1 of 1,589,820 alleles (0.000063%); highest among the groups gnomAD compares: Non-Finnish European, 0.000086%; no homozygotes.

Submission:

Ambry Genetics
Classification: Uncertain significance. Last evaluated: 2025-06-09. Review status: criteria provided, single submitter. Criteria: Ambry Variant Classification Scheme 2023. Collection method: clinical testing. Allele origin: germline.
Comment: The p.V575F variant (also known as c.1723G>T), located in coding exon 8 of the RNF43 gene, results from a G to T substitution at nucleotide position 1723. The valine at codon 575 is replaced by phenylalanine, an amino acid with highly similar properties. This amino acid position is conserved. In addition, this alteration is predicted to be tolerated by in silico analysis. Based on the available evidence, the clinical significance of this variant remains unclear.

NM_017763.6(RNF43):c.1723G>T (p.Val575Phe)

Gene: RNF43 (ring finger protein 43; minus strand). Cytogenetic location: 17q22.
Variant type: single nucleotide variant.
Coding change: c.1723G>T on transcript NM_017763.6 (MANE Select); coding-DNA position 1723, G replaced by T.
Protein change: p.Val575Phe; replaces valine 575 with phenylalanine.
Molecular consequence: missense variant.
Genome position (GRCh38, 1-based): chr17:58,358,053, C>A on the plus strand (G>T on the coding strand, the complement: RNF43 is on the minus strand). VCF-style: chr17-58358053-C-A. GRCh37 (hg19) VCF-style: chr17-56435414-C-A.
Other names: c.1723G>T, p.Val575Phe (NM_001305544.3); c.1342G>T, p.Val448Phe (NM_001305545.2); short protein forms V448F, V575F.
Identifiers: ClinVar variation 3946939 (VCV003946939.1).